The following is an entry in ClinVar:

NM_007373.4(SHOC2):c.166G>A (p.Asp56Asn)

Gene: SHOC2 (SHOC2 leucine rich repeat scaffold protein; plus strand). Cytogenetic location: 10q25.2.
Variant type: single nucleotide variant.
Coding change: c.166G>A on transcript NM_007373.4 (MANE Select); coding-DNA position 166, G replaced by A.
Protein change: p.Asp56Asn; replaces aspartic acid 56 with asparagine.
Molecular consequence: missense variant.
Genome position (GRCh38, 1-based): chr10:110,964,524, G>A. VCF-style: chr10-110964524-G-A. GRCh37 (hg19) VCF-style: chr10-112724282-G-A.
Other names: c.166G>A, p.Asp56Asn (NM_001269039.3, NM_001324336.2, NM_001324337.2); short protein forms D56N.
Identifiers: ClinVar variation 3654004 (VCV003654004.2).
Genomic context (GRCh38, chr10:110,964,524, plus strand): 5'-AAAGAGAGCAAAGAAAAAGAACCTAAGACCAAAGGGAAAGATGCCAAAGATGGAAAGAAG[G>A]ACTCCAGTGCTGCCCAACCAGGGGTGGCATTTTCAGTTGACAATACGATCAAACGGCCAA-3'
Protein context (NP_031399.2, residues 46-66): KGKDAKDGKK[Asp56Asn]SSAAQPGVAF

ClinVar aggregate classification (germline): Uncertain significance (1 of 4 stars; one submission).

Conditions:
RASopathy. Also called: rasopathies; Noonan spectrum disorder. Identifiers: Orphanet 536391, MedGen C5555857, MONDO:0021060.

Submission:

Labcorp Genetics (formerly Invitae), Labcorp
Classification: Uncertain significance for RASopathy. Last evaluated: 2024-05-21. Review status: criteria provided, single submitter. Criteria: Invitae Variant Classification Sherloc (09022015). Collection method: clinical testing. Allele origin: germline.
Comment: This sequence change replaces aspartic acid, which is acidic and polar, with asparagine, which is neutral and polar, at codon 56 of the SHOC2 protein (p.Asp56Asn). This variant is not present in population databases (gnomAD no frequency). This variant has not been reported in the literature in individuals affected with SHOC2-related conditions. Advanced modeling of protein sequence and biophysical properties (such as structural, functional, and spatial information, amino acid conservation, physicochemical variation, residue mobility, and thermodynamic stability) performed at Invitae indicates that this missense variant is not expected to disrupt SHOC2 protein function with a negative predictive value of 80%. In summary, the available evidence is currently insufficient to determine the role of this variant in disease. Therefore, it has been classified as a Variant of Uncertain Significance.